The following is an entry in ClinVar:

ClinVar aggregate classification (germline): Uncertain significance (1 of 4 stars; one submission).

Conditions:
Retinoblastoma (RB1). Also called: RETINOBLASTOMA, SOMATIC. Identifiers: Orphanet 790, MedGen C0035335, MeSH D012175, MONDO:0008380, OMIM 180200, HP:0009919. Disease mechanism: loss of function. Inheritance: Both sporadic and heritable forms are tested..

Submission:

All of Us Research Program, National Institutes of Health
Classification: Uncertain significance for Retinoblastoma. Last evaluated: 2023-02-10. Review status: criteria provided, single submitter. Criteria: ACMG Guidelines, 2015. Collection method: clinical testing. Allele origin: germline. Inheritance: Autosomal dominant inheritance. Observed: 1 variant allele, 1 heterozygote.
Comment: This study involves interpretation of variants in research participants for the purpose of population health screening. Participant phenotype was not available at the time of variant classification. Additional details can be found in publication PMID: 35346344, PMCID: PMC8962531

NM_000321.3(RB1):c.458A>G (p.Lys153Arg)

Gene: RB1 (RB transcriptional corepressor 1; plus strand). Cytogenetic location: 13q14.2.
Variant type: single nucleotide variant.
Coding change: c.458A>G on transcript NM_000321.3 (MANE Select); coding-DNA position 458, A replaced by G.
Protein change: p.Lys153Arg; replaces lysine 153 with arginine.
Molecular consequence: missense variant.
Genome position (GRCh38, 1-based): chr13:48,345,157, A>G. VCF-style: chr13-48345157-A-G. GRCh37 (hg19) VCF-style: chr13-48919293-A-G.
Other names: c.458A>G, p.Lys153Arg (NM_001407165.1, NM_001407166.1); short protein forms K153R.
Identifiers: ClinVar variation 3069413 (VCV003069413.1), dbSNP rs2542159436, ClinGen allele CA388252765.